The following is an entry in ClinVar:

NM_013328.4(PYCR2):c.893C>T (p.Ser298Phe)

Gene: PYCR2 (pyrroline-5-carboxylate reductase 2; minus strand). Cytogenetic location: 1q42.12.
Variant type: single nucleotide variant.
Coding change: c.893C>T on transcript NM_013328.4 (MANE Select); coding-DNA position 893, C replaced by T.
Protein change: p.Ser298Phe; replaces serine 298 with phenylalanine.
Molecular consequence: missense variant.
Genome position (GRCh38, 1-based): chr1:225,920,525, G>A on the plus strand (C>T on the coding strand, the complement: PYCR2 is on the minus strand). VCF-style: chr1-225920525-G-A. GRCh37 (hg19) VCF-style: chr1-226108225-G-A.
Other names: c.671C>T, p.Ser224Phe (NM_001271681.2); short protein forms S224F, S298F.
Identifiers: ClinVar variation 4772965 (VCV004772965.1).
Genomic context (GRCh38, chr1:225,920,525, plus strand): 5'-TTGCCTCCCAGGGCCAGGCTTCTTGTGAGGAGCTTCCCTGGGCTGGAGGGGGTCAGTGTG[G>A]AGACTGTGGGGGATTCCAGCTTCACTCTGTCTAAGAGGGTCTTCTTAAGGGCAGCTGGGG-3'
Protein context (NP_037460.2, residues 288-308): DRVKLESPTV[Ser298Phe]TLTPSSPGKL

ClinVar aggregate classification (germline): Uncertain significance (1 of 4 stars; one submission).

Submission:

Labcorp Genetics (formerly Invitae), Labcorp
Classification: Uncertain significance. Last evaluated: 2025-09-09. Review status: criteria provided, single submitter. Criteria: Invitae Variant Classification Sherloc (09022015). Collection method: clinical testing. Allele origin: germline.
Comment: This sequence change replaces serine, which is neutral and polar, with phenylalanine, which is neutral and non-polar, at codon 298 of the PYCR2 protein (p.Ser298Phe). This variant is not present in population databases (gnomAD no frequency). This variant has not been reported in the literature in individuals affected with PYCR2-related conditions. An algorithm developed to predict the effect of missense changes on protein structure and function (PolyPhen-2) suggests that this variant is likely to be tolerated. In summary, the available evidence is currently insufficient to determine the role of this variant in disease. Therefore, it has been classified as a Variant of Uncertain Significance.